The following is an entry in ClinVar:

ClinVar aggregate classification (germline): Pathogenic (1 of 4 stars; one submission).

Conditions:
Telangiectasia, hereditary hemorrhagic, type 2 (HHT2). Also called: ACVRL1-Related Hereditary Hemorrhagic Telangiectasia; Telangiectasia, hereditary hemorrhagic, type II. Identifiers: Orphanet 774, MedGen C1838163, MONDO:0010880, OMIM 600376. Disease mechanism: loss of function.

Submission:

ARUP Laboratories, Molecular Genetics and Genomics, ARUP Laboratories
Classification: Pathogenic for Telangiectasia, hereditary hemorrhagic, type 2. Last evaluated: 2025-03-13. Review status: criteria provided, single submitter. Criteria: ARUP Molecular Germline Variant Investigation Process 2024. Collection method: clinical testing. Allele origin: germline.
Comment: The ACVRL1 c.804del; p.Ser269ArgfsTer32 variant, to our knowledge, is not reported in the medical literature or gene specific databases. This variant is also absent from the Genome Aggregation Database (v2.1.1), indicating it is not a common polymorphism. This variant causes a frameshift by deleting a single nucleotide, so it is predicted to result in a truncated protein or mRNA subject to nonsense-mediated decay. Based on available information, this variant is considered to be pathogenic.

NM_000020.3(ACVRL1):c.804del (p.Ser269fs)

Gene: ACVRL1 (activin A receptor like type 1; plus strand). Cytogenetic location: 12q13.13.
Variant type: Deletion.
Coding change: c.804del on transcript NM_000020.3 (MANE Select); coding-DNA position 804, one base deleted (C; older notation c.804delC).
Protein change: p.Ser269fs; shifts the reading frame from serine 269.
Molecular consequence: frameshift variant.
Genome position (GRCh38, 1-based): chr12:51,915,256, C deleted. VCF-style (leftmost placement, unchanged base first): chr12-51915255-AC-A. GRCh37 (hg19) VCF-style: chr12-52309039-AC-A.
Other names: c.804del, p.Ser269fs (NM_001077401.2, NM_001406487.1, NM_001406488.1 and 1 more transcripts); c.492del, p.Ser165fs (NM_001406490.1, NM_001406491.1, NM_001406492.1 and 2 more transcripts); c.240del, p.Ser81fs (NM_001406495.1); short protein forms S165fs, S269fs, S81fs.
Identifiers: ClinVar variation 4685687 (VCV004685687.1).